The following is an entry in ClinVar:

NM_152564.5(VPS13B):c.5909-2A>T

Gene: VPS13B (vacuolar protein sorting 13 homolog B; plus strand). Cytogenetic location: 8q22.2.
Variant type: single nucleotide variant.
Coding change: c.5909-2A>T on transcript NM_152564.5 (MANE Select); the canonical splice acceptor site of the intron before coding-DNA position 5909, A replaced by T.
Molecular consequence: splice acceptor variant.
Genome position (GRCh38, 1-based): chr8:99,661,352, A>T. VCF-style: chr8-99661352-A-T. GRCh37 (hg19) VCF-style: chr8-100673580-A-T.
Other names: c.5984-2A>T (NM_017890.5).
Identifiers: ClinVar variation 449599 (VCV000449599.2), dbSNP rs1554892004, ClinGen allele CA371868708.

ClinVar aggregate classification (germline): Pathogenic (1 of 4 stars; one submission).

Submission:

GeneDx
Classification: Pathogenic. Last evaluated: 2015-12-30. Review status: criteria provided, single submitter. Criteria: GeneDx Variant Classification (06012015). Collection method: clinical testing. Allele origin: germline. Affected: yes.
Comment: The c.5984-2A>T pathogenic variant in the VPS13B gene has not been reported previously as a pathogenic variant nor as a benign variant, to our knowledge. This splice site variant destroys the canonical splice acceptor site in intron 34. It is predicted to cause abnormal gene splicing, either leading to an abnormal message that is subject to nonsense-mediated mRNA decay, or to an abnormal protein product if the message is used for protein translation. The c.5984-2A>T variant was not observed in approximately 6500 individuals of European and African American ancestry in the NHLBI Exome Sequencing Project, indicating it is not a common benign variant in these populations. We interpret c.5984-2A>T as a pathogenic variant.